The following is an entry in ClinVar:

NM_016203.4(PRKAG2):c.1646A>C (p.Asp549Ala)

Gene: PRKAG2 (protein kinase AMP-activated non-catalytic subunit gamma 2; minus strand). Cytogenetic location: 7q36.1.
Variant type: single nucleotide variant.
Coding change: c.1646A>C on transcript NM_016203.4 (MANE Select); coding-DNA position 1646, A replaced by C.
Protein change: p.Asp549Ala; replaces aspartic acid 549 with alanine.
Molecular consequence: missense variant.
Genome position (GRCh38, 1-based): chr7:151,560,556, T>G on the plus strand (A>C on the coding strand, the complement: PRKAG2 is on the minus strand). VCF-style: chr7-151560556-T-G. GRCh37 (hg19) VCF-style: chr7-151257642-T-G.
Other names: p.D549A:GAC>GCC; c.1514A>C, p.Asp505Ala (NM_001040633.2); c.1271A>C, p.Asp424Ala (NM_001304527.2); c.923A>C, p.Asp308Ala (NM_001304531.2, NM_024429.2); c.1274A>C, p.Asp425Ala (NM_001363698.2); short protein forms D549A, D505A, D308A, D424A, D425A.
Identifiers: ClinVar variation 181481 (VCV000181481.5), dbSNP rs730880982, ClinGen allele CA013949.
Genomic context (GRCh38, chr7:151,560,556, plus strand): 5'-TGGCAAAGGTCAGAAACCAGCATTTTACCTGCTGGTGTGAGGATCAGGGCTTGCAGAATG[T>G]CCGACAGGGAAATAATACCCACAATACTATCTGCTTCATTTACCACCACCAGCCGATGGA-3'
Protein context (NP_057287.2, residues 539-559): DSIVGIISLS[Asp549Ala]ILQALILTPA

ClinVar aggregate classification (germline): Uncertain significance. Review status: criteria provided, multiple submitters, no conflicts (2 of 4 stars). 2 submissions from 2 submitters: Uncertain significance (2). Last evaluated 2024-02-12.

Conditions:
Cardiovascular phenotype. Identifiers: MedGen CN230736.

Submissions (2):

GeneDx
Classification: Uncertain significance. Last evaluated: 2024-02-12. Review status: criteria provided, single submitter. Criteria: GeneDx Variant Classification Process June 2021. Collection method: clinical testing. Allele origin: germline. Affected: yes.
Comment: Has not been previously published as pathogenic or benign to our knowledge; Not observed at significant frequency in large population cohorts (gnomAD); In silico analysis supports that this missense variant has a deleterious effect on protein structure/function

Ambry Genetics
Classification: Uncertain significance for Cardiovascular phenotype. Last evaluated: 2021-07-01. Review status: criteria provided, single submitter. Criteria: Ambry Variant Classification Scheme 2023. Collection method: clinical testing. Allele origin: germline.
Comment: The p.D549A variant (also known as c.1646A>C), located in coding exon 15 of the PRKAG2 gene, results from an A to C substitution at nucleotide position 1646. The aspartic acid at codon 549 is replaced by alanine, an amino acid with dissimilar properties. This amino acid position is highly conserved in available vertebrate species. In addition, this alteration is predicted to be deleterious by in silico analysis. Since supporting evidence is limited at this time, the clinical significance of this alteration remains unclear.